The following is an entry in ClinVar:

ClinVar aggregate classification (germline): Uncertain significance. Review status: criteria provided, multiple submitters, no conflicts (2 of 4 stars). 4 submissions from 4 submitters: Uncertain significance (4). Last evaluated 2025-02-06.

Conditions:
Cardiovascular phenotype. Identifiers: MedGen CN230736.
Dilated cardiomyopathy 1C (CMD1C). Also called: CARDIOMYOPATHY, DILATED, 1C, WITH OR WITHOUT LEFT VENTRICULAR NONCOMPACTION; Cardiomyopathy, dilated, 1C, with or without LVNC. Identifiers: Orphanet 154, Orphanet 54260, MedGen C1832244, MONDO:0011094, OMIM 601493.
Myofibrillar myopathy 4. Also called: Zaspopathy (type). Identifiers: Orphanet 98912, MedGen C4721886, MONDO:0012277, OMIM 609452.

Allele frequency attached by ClinVar (database versions not stated): gnomAD 0.00001; gnomAD exomes 0.00001; TOPMed 0.00002.

Submissions (4):

Mayo Clinic Laboratories, Mayo Clinic
Classification: Uncertain significance. Last evaluated: 2025-02-06. Review status: criteria provided, single submitter. Criteria: ACMG Guidelines, 2015. Collection method: clinical testing. Allele origin: germline. Observed: 2 variant alleles.

Labcorp Genetics (formerly Invitae), Labcorp
Classification: Uncertain significance for Myofibrillar myopathy 4. Last evaluated: 2024-10-12. Review status: criteria provided, single submitter. Criteria: Invitae Variant Classification Sherloc (09022015). Collection method: clinical testing. Allele origin: germline.
Comment: This sequence change replaces valine, which is neutral and non-polar, with alanine, which is neutral and non-polar, at codon 192 of the LDB3 protein (p.Val192Ala). This variant is present in population databases (rs774595610, gnomAD 0.01%). This variant has not been reported in the literature in individuals affected with LDB3-related conditions. ClinVar contains an entry for this variant (Variation ID: 1415919). An algorithm developed to predict the effect of missense changes on protein structure and function (PolyPhen-2) suggests that this variant is likely to be disruptive. In summary, the available evidence is currently insufficient to determine the role of this variant in disease. Therefore, it has been classified as a Variant of Uncertain Significance.

Ambry Genetics
Classification: Uncertain significance for Cardiovascular phenotype. Last evaluated: 2024-08-19. Review status: criteria provided, single submitter. Criteria: Ambry Variant Classification Scheme 2023. Collection method: clinical testing. Allele origin: germline.
Comment: The p.V239A variant (also known as c.716T>C), located in coding exon 5 of the LDB3 gene, results from a T to C substitution at nucleotide position 716. The valine at codon 239 is replaced by alanine, an amino acid with similar properties. This amino acid position is well conserved in available vertebrate species. In addition, this alteration is predicted to be deleterious by in silico analysis. Since supporting evidence is limited at this time, the clinical significance of this alteration remains unclear.

Fulgent Genetics
Classification: Uncertain significance for Dilated cardiomyopathy 1C; Myofibrillar myopathy 4. Last evaluated: 2021-11-07. Review status: criteria provided, single submitter. Criteria: ACMG Guidelines, 2015. Collection method: clinical testing. Allele origin: unknown.

NM_007078.3(LDB3):c.716T>C (p.Val239Ala)

Gene: LDB3 (LIM domain binding 3; plus strand). Cytogenetic location: 10q23.2.
Variant type: single nucleotide variant.
Coding change: c.716T>C on transcript NM_007078.3 (MANE Select); coding-DNA position 716, T replaced by C.
Protein change: p.Val239Ala; replaces valine 239 with alanine.
Molecular consequence: missense variant.
Genome position (GRCh38, 1-based): chr10:86,691,922, T>C. VCF-style: chr10-86691922-T-C. GRCh37 (hg19) VCF-style: chr10-88451679-T-C.
Other names: p.Val192Ala; c.575T>C, p.Val192Ala (NM_001368066.1, NM_001368067.1, NM_001368068.1 and 2 more transcripts); c.716T>C, p.Val239Ala (NM_001080115.2, NM_001368063.1, NM_001368064.1 and 1 more transcripts); c.920T>C, p.Val307Ala (NM_001171610.2, NM_001171611.2); short protein forms V307A, V239A, V192A.
Identifiers: ClinVar variation 1415919 (VCV001415919.13), dbSNP rs774595610, ClinGen allele CA211184901.